The following is an entry in ClinVar:

NM_001127222.2(CACNA1A):c.11_34del (p.Phe4_Arg11del)

Gene: CACNA1A (calcium voltage-gated channel subunit alpha1 A; minus strand). Cytogenetic location: 19p13.13.
Variant type: Deletion.
Coding change: c.11_34del on transcript NM_001127222.2 (MANE Select); coding-DNA positions 11 to 34, 24 bases deleted (TCGGAGACGAGATGCCGGCCCGCT).
Protein change: p.Phe4_Arg11del.
Molecular consequence: inframe deletion, initiator codon variant. On other transcripts: inframe indel (1).
Genome position (GRCh38, 1-based): chr19:13,506,191-13,506,214, AGCGGGCCGGCATCTCGTCTCCGA deleted on the plus strand (TCGGAGACGAGATGCCGGCCCGCT on the coding strand, the reverse complement: CACNA1A is on the minus strand); deleting any 24 consecutive bases within chr19:13,506,191-13,506,222 gives the same sequence; the c. name uses the placement nearest the transcript's 3' end. VCF-style (leftmost placement, unchanged base first): chr19-13506190-TAGCGGGCCGGCATCTCGTCTCCGA-T. GRCh37 (hg19) VCF-style: chr19-13617004-TAGCGGGCCGGCATCTCGTCTCCGA-T.
Other names: c.11_34del, p.Phe4_Arg11del (NM_023035.3, NM_000068.4, NM_001127221.2 and 1 more transcripts); c.3_26del24, p.Phe4_Arg11del (NM_001127221.1).
Identifiers: ClinVar variation 3343118 (VCV003343118.1).

ClinVar aggregate classification (germline): Uncertain significance (1 of 4 stars; one submission).

Submission:

GeneDx
Classification: Uncertain significance. Last evaluated: 2023-04-20. Review status: criteria provided, single submitter. Criteria: GeneDx Variant Classification Process June 2021. Collection method: clinical testing. Allele origin: germline. Affected: yes.
Comment: In-frame deletion of 8 amino acids in a non-repeat region; Not observed at significant frequency in large population cohorts (gnomAD); In silico analysis supports a deleterious effect on protein structure/function; Has not been previously published as pathogenic or benign to our knowledge